The following is an entry in ClinVar:

ClinVar aggregate classification (germline): Likely pathogenic (1 of 4 stars; one submission).

Conditions:
Duchenne muscular dystrophy (DMD). Also called: Duchenne Muscular Dystrophy (DMD); MUSCULAR DYSTROPHY, PSEUDOHYPERTROPHIC PROGRESSIVE, DUCHENNE TYPE. Identifiers: Orphanet 98896, MedGen C0013264, MONDO:0010679, OMIM 310200.

Submission:

Labcorp Genetics (formerly Invitae), Labcorp
Classification: Likely pathogenic for Duchenne muscular dystrophy. Last evaluated: 2021-08-12. Review status: criteria provided, single submitter. Criteria: Invitae Variant Classification Sherloc (09022015). Collection method: clinical testing. Allele origin: germline.
Comment: This variant results in a copy number gain of the genomic region encompassing exon(s) 61-62 of the DMD gene. While the exact position of this variant cannot be determined from the data, sub-genic copy number gains are generally in tandem (PMID: 25640679). This variant is predicted to be out-of-frame, and may result in an absent or disrupted protein product. Loss-of-function variants in DMD are known to be pathogenic (PMID: 16770791, 25007885). A similar copy number variant has been observed in individual(s) with Duchenne or Becker muscular dystrophy (PMID: 16917894). In summary, the currently available evidence indicates that the variant is pathogenic, but additional data are needed to prove that conclusively. Therefore, this variant has been classified as Likely Pathogenic.

Literature cited by the submitters: PubMed 25640679; PubMed 16770791; PubMed 25007885; PubMed 16917894.

NC_000023.10:g.(?_31341705)_(31366761_?)dup

Gene: DMD (dystrophin; minus strand). Cytogenetic location: Xp21.2.
Variant type: Duplication.
Identifiers: ClinVar variation 1511531 (VCV001511531.6).